The following is an entry in ClinVar:

ClinVar aggregate classification (germline): Pathogenic (1 of 4 stars; one submission).

Conditions:
Aicardi-Goutieres syndrome 5. Identifiers: Orphanet 51, MedGen C2749659, MONDO:0013059, OMIM 612952.

Submission:

Labcorp Genetics (formerly Invitae), Labcorp
Classification: Pathogenic for Aicardi-Goutieres syndrome 5. Last evaluated: 2023-10-28. Review status: criteria provided, single submitter. Criteria: Invitae Variant Classification Sherloc (09022015). Collection method: clinical testing. Allele origin: unknown.
Comment: This variant is a gross deletion of the genomic region encompassing exon(s) 2-3 of the SAMHD1 gene. This deletion is out-of-frame, and is expected to create a premature termination codon and result in an absent or disrupted protein product. Loss-of-function variants in SAMHD1 are known to be pathogenic (PMID: 19525956, 22461318). This variant has not been reported in the literature in individuals affected with SAMHD1-related conditions. For these reasons, this variant has been classified as Pathogenic.

Literature cited by the submitters: PubMed 19525956; PubMed 22461318.

NC_000020.10:g.(?_35569422)_(35575227_?)del

Gene: SAMHD1 (SAM and HD domain containing deoxynucleoside triphosphate triphosphohydrolase 1; minus strand). Cytogenetic location: 20q11.23.
Variant type: Deletion.
Identifiers: ClinVar variation 3248287 (VCV003248287.1).